The following is an entry in ClinVar:

NM_000256.3(MYBPC3):c.1262T>G (p.Leu421Arg)

Gene: MYBPC3 (myosin binding protein C3; minus strand). Cytogenetic location: 11p11.2.
Variant type: single nucleotide variant.
Coding change: c.1262T>G on transcript NM_000256.3 (MANE Select); coding-DNA position 1262, T replaced by G.
Protein change: p.Leu421Arg; replaces leucine 421 with arginine.
Molecular consequence: missense variant.
Genome position (GRCh38, 1-based): chr11:47,343,110, A>C on the plus strand (T>G on the coding strand, the complement: MYBPC3 is on the minus strand). VCF-style: chr11-47343110-A-C. GRCh37 (hg19) VCF-style: chr11-47364661-A-C.
Other names: short protein forms L421R.
Identifiers: ClinVar variation 1429231 (VCV001429231.8), dbSNP rs2142861749, ClinGen allele CA380327581.

ClinVar aggregate classification (germline): Uncertain significance (1 of 4 stars; one submission).

Conditions:
Hypertrophic cardiomyopathy. Also called: HYPERTROPHIC MYOCARDIOPATHY. Identifiers: Orphanet 217569, MedGen C0007194, MeSH D002312, MONDO:0005045, HP:0001639.

Allele frequency attached by ClinVar (database versions not stated): gnomAD exomes below 0.00001.
gnomAD v4.1: 1 of 1,612,074 alleles (0.000062%); highest among the groups gnomAD compares: Non-Finnish European, 0.000085%; no homozygotes.

Submission:

Labcorp Genetics (formerly Invitae), Labcorp
Classification: Uncertain significance for Hypertrophic cardiomyopathy. Last evaluated: 2021-03-31. Review status: criteria provided, single submitter. Criteria: Invitae Variant Classification Sherloc (09022015). Collection method: clinical testing. Allele origin: germline.
Comment: Algorithms developed to predict the effect of missense changes on protein structure and function (SIFT, PolyPhen-2, Align-GVGD) all suggest that this variant is likely to be disruptive, but these predictions have not been confirmed by published functional studies and their clinical significance is uncertain. This variant has not been reported in the literature in individuals with MYBPC3-related conditions. This variant is not present in population databases (ExAC no frequency). This sequence change replaces leucine with arginine at codon 421 of the MYBPC3 protein (p.Leu421Arg). The leucine residue is highly conserved and there is a moderate physicochemical difference between leucine and arginine. In summary, the available evidence is currently insufficient to determine the role of this variant in disease. Therefore, it has been classified as a Variant of Uncertain Significance.